The following is an entry in ClinVar:

NM_001165963.4(SCN1A):c.5263G>T (p.Asp1755Tyr)

Genes: SCN1A (sodium voltage-gated channel alpha subunit 1; minus strand), LOC102724058 (uncharacterized LOC102724058; plus strand). Cytogenetic location: 2q24.3.
Variant type: single nucleotide variant.
Coding change: c.5263G>T on transcript NM_001165963.4 (MANE Select); coding-DNA position 5263, G replaced by T.
Protein change: p.Asp1755Tyr; replaces aspartic acid 1755 with tyrosine.
Molecular consequence: missense variant. On other transcripts: non-coding transcript variant (1).
Genome position (GRCh38, 1-based): chr2:165,992,012, C>A on the plus strand (G>T on the coding strand, the complement: SCN1A is on the minus strand). VCF-style: chr2-165992012-C-A. GRCh37 (hg19) VCF-style: chr2-166848522-C-A.
Other names: c.5179G>T, p.Asp1727Tyr (NM_001165964.3, NM_001353957.2, NM_001353958.2); c.5263G>T, p.Asp1755Tyr (NM_001202435.3, NM_001353948.2); c.5230G>T, p.Asp1744Tyr (NM_001353949.2, NM_001353950.2, NM_001353951.2 and 2 more transcripts); c.5227G>T, p.Asp1743Tyr (NM_001353954.2, NM_001353955.2); c.5176G>T, p.Asp1726Tyr (NM_001353960.2); c.2821G>T, p.Asp941Tyr (NM_001353961.2); short protein forms D1744Y, D1755Y, D1726Y, D1727Y, D1743Y, D941Y.
Identifiers: ClinVar variation 530440 (VCV000530440.11), dbSNP rs927722314, ClinGen allele CA349068333.

ClinVar aggregate classification (germline): Pathogenic/Likely pathogenic. Review status: criteria provided, multiple submitters, no conflicts (2 of 4 stars). 2 submissions from 2 submitters: Pathogenic (1); Likely pathogenic (1). Last evaluated 2025-11-06.

Conditions:
Early-infantile DEE. Also called: Early infantile epileptic encephalopathy; Early infantile epileptic encephalopathy with suppression bursts; Ohtahara syndrome. Identifiers: Orphanet 1934, MedGen C0393706, MONDO:0800491.
Developmental and epileptic encephalopathy 6B. Also called: Developmental and epileptic encephalopathy 6B, non-Dravet. Identifiers: MedGen C5543353, MONDO:0030268, OMIM 619317.

Submissions (2):

Kasturba Medical College, Manipal, Kasturba Medical College, Manipal, Manipal Academy of Higher Education, Manipal, India
Classification: Likely pathogenic for Developmental and epileptic encephalopathy 6B. Last evaluated: 2025-11-06. Review status: criteria provided, single submitter. Criteria: ACMG Guidelines, 2015. Collection method: research. Allele origin: de novo. Inheritance: Autosomal dominant inheritance. Affected: yes. Observed: 1 heterozygote.
Comment: This variant is absent in heterozygous and/or homozygous state in population database gnomAD v4.1.0 and our in-house database of 3502 exomes. In silico analysis tools (REVEL, CADD_phred) are consistent in predicting the variant to be damaging to SCN1A protein function. This variant is reported in the ClinVar database as pathogenic by a single submitter (VCV000530440.9). The clinical features observed in Shreyas are in concordance with developmental and epileptic encephalopathy 6B, non-Dravet (MIM #619317). Thus, the above-mentioned variant in the heterozygous state is interpreted to be the likely cause of the condition observed in him.

Labcorp Genetics (formerly Invitae), Labcorp
Classification: Pathogenic for Early-infantile DEE. Last evaluated: 2022-02-04. Review status: criteria provided, single submitter. Criteria: Invitae Variant Classification Sherloc (09022015). Collection method: clinical testing. Allele origin: germline.
Comment: This sequence change replaces aspartic acid, which is acidic and polar, with tyrosine, which is neutral and polar, at codon 1755 of the SCN1A protein (p.Asp1755Tyr). For these reasons, this variant has been classified as Pathogenic. Advanced modeling of protein sequence and biophysical properties (such as structural, functional, and spatial information, amino acid conservation, physicochemical variation, residue mobility, and thermodynamic stability) performed at Invitae indicates that this missense variant is expected to disrupt SCN1A protein function. ClinVar contains an entry for this variant (Variation ID: 530440). This missense change has been observed in individual(s) with infantile epilepsy (Invitae). In at least one individual the variant was observed to be de novo. This variant is not present in population databases (gnomAD no frequency).